The following is an entry in ClinVar:

NM_014889.4(PITRM1):c.1734G>C (p.Leu578=)

Gene: PITRM1 (pitrilysin metallopeptidase 1; minus strand). Cytogenetic location: 10p15.2.
Variant type: single nucleotide variant.
Coding change: c.1734G>C on transcript NM_014889.4 (MANE Select); coding-DNA position 1734, G replaced by C.
Protein change: p.Leu578=; no amino-acid change (leucine 578 retained).
Molecular consequence: synonymous variant. On other transcripts: non-coding transcript variant (4).
Genome position (GRCh38, 1-based): chr10:3,151,251, C>G on the plus strand (G>C on the coding strand, the complement: PITRM1 is on the minus strand). VCF-style: chr10-3151251-C-G. GRCh37 (hg19) VCF-style: chr10-3193443-C-G.
Other names: c.1638G>C, p.Leu546= (NM_001242309.1); c.1734G>C, p.Leu578= (NM_001242307.2, NM_001347725.2); c.1119G>C, p.Leu373= (NM_001347726.2, NM_001347727.2); c.429G>C, p.Leu143= (NM_001347728.2); c.1710G>C, p.Leu570= (NM_001347729.1, NM_001347730.1).
Identifiers: ClinVar variation 726700 (VCV000726700.11), dbSNP rs373019822, ClinGen allele CA5387721.

ClinVar aggregate classification (germline): Likely benign. Review status: criteria provided, multiple submitters, no conflicts (2 of 4 stars). 3 submissions from 3 submitters: Likely benign (3). Last evaluated 2026-05-01.

Allele frequency attached by ClinVar (database versions not stated): 1000 Genomes Project 30x 0.00031; 1000 Genomes Project 0.00040; gnomAD 0.00046 and 0.00049; TOPMed 0.00046; gnomAD exomes 0.00047; ESP Exome Variant Server 0.00050; ExAC 0.00082.

Submissions (3):

CeGaT Center for Human Genetics Tuebingen
Classification: Likely benign. Last evaluated: 2026-05-01. Review status: criteria provided, single submitter. Criteria: CeGaT Center For Human Genetics Tuebingen Variant Classification Criteria Version 2. Collection method: clinical testing. Allele origin: germline. Affected: yes. Observed: 1 variant allele.
Comment: PITRM1: BP4, BP7

Labcorp Genetics (formerly Invitae), Labcorp
Classification: Likely benign. Last evaluated: 2026-01-11. Review status: criteria provided, single submitter. Criteria: Invitae Variant Classification Sherloc (09022015). Collection method: clinical testing. Allele origin: germline.

Blueprint Genetics
Classification: Likely benign. Last evaluated: 2024-09-17. Review status: criteria provided, single submitter. Criteria: ACMG Guidelines, 2015. Collection method: clinical testing. Allele origin: germline.